The following is an entry in ClinVar:

ClinVar aggregate classification (germline): Likely pathogenic (1 of 4 stars; one submission).

Submission:

GeneDx
Classification: Likely pathogenic. Last evaluated: 2017-10-27. Review status: criteria provided, single submitter. Criteria: GeneDx Variant Classification (06012015). Collection method: clinical testing. Allele origin: germline. Affected: yes.
Comment: A G1652X variant that is likely pathogenic has been identified in the SCN1A gene. The G1652X variant has been reported previously in an individual with Dravet syndrome; however, information regarding parental testing was not provided (Depienne et al., 2009). This nonsense variant is predicted to cause loss of normal protein function through protein truncation, as the last 358 amino acids of the SCN1A protein are lost. Additionally, the G1652X variant is not observed in large population cohorts (Lek et al., 2016). Furthermore, other nonsense variants downstream of this position and in this region of the SCN1A protein have been reported in the Human Gene Mutation Database inassociation with SCN1A-related disorders (Stenson et al., 2014). Therefore, this variant is likely pathogenic; however, the possibility that it is benign cannot be excluded.

NM_001165963.4(SCN1A):c.4954G>T (p.Gly1652Ter)

Genes: SCN1A (sodium voltage-gated channel alpha subunit 1; minus strand), LOC102724058 (uncharacterized LOC102724058; plus strand). Cytogenetic location: 2q24.3.
Variant type: single nucleotide variant.
Coding change: c.4954G>T on transcript NM_001165963.4 (MANE Select); coding-DNA position 4954, G replaced by T.
Protein change: p.Gly1652Ter; replaces glycine 1652 with a stop codon.
Molecular consequence: nonsense. On other transcripts: non-coding transcript variant (1).
Genome position (GRCh38, 1-based): chr2:165,992,321, C>A on the plus strand (G>T on the coding strand, the complement: SCN1A is on the minus strand). VCF-style: chr2-165992321-C-A. GRCh37 (hg19) VCF-style: chr2-166848831-C-A.
Other names: c.4870G>T, p.Gly1624Ter (NM_001165964.3, NM_001353957.2, NM_001353958.2); c.4954G>T, p.Gly1652Ter (NM_001202435.3, NM_001353948.2); c.4921G>T, p.Gly1641Ter (NM_001353949.2, NM_001353950.2, NM_001353951.2 and 2 more transcripts); c.4918G>T, p.Gly1640Ter (NM_001353954.2, NM_001353955.2); c.4867G>T, p.Gly1623Ter (NM_001353960.2); c.2512G>T, p.Gly838Ter (NM_001353961.2); short protein forms G1641*, G1652*, G1640*, G838*, G1624*, G1623*.
Identifiers: ClinVar variation 449373 (VCV000449373.2), dbSNP rs1553520442, ClinGen allele CA349070036.
Genomic context (GRCh38, chr2:165,992,321, plus strand): 5'-TAAACAACGCAGGAAGGGACATCATCAAAGCAAAGAGCAGCGTGCGGATCCCCTTTGCTC[C>A]TTTGATCAGACGTAGGATTCGGCCAATCCTAGCAAGACGGATCACTCGGAACAGGGTAGG-3'